The following is an entry in ClinVar:

ClinVar aggregate classification (germline): Uncertain significance (1 of 4 stars; one submission).

Submission:

Labcorp Genetics (formerly Invitae), Labcorp
Classification: Uncertain significance. Last evaluated: 2022-09-10. Review status: criteria provided, single submitter. Criteria: Invitae Variant Classification Sherloc (09022015). Collection method: clinical testing. Allele origin: germline.
Comment: In summary, the available evidence is currently insufficient to determine the role of this variant in disease. Therefore, it has been classified as a Variant of Uncertain Significance. Advanced modeling of protein sequence and biophysical properties (such as structural, functional, and spatial information, amino acid conservation, physicochemical variation, residue mobility, and thermodynamic stability) performed at Invitae indicates that this missense variant is expected to disrupt GATA3 protein function. This variant has not been reported in the literature in individuals affected with GATA3-related conditions. This variant is not present in population databases (gnomAD no frequency). This sequence change replaces serine, which is neutral and polar, with arginine, which is basic and polar, at codon 371 of the GATA3 protein (p.Ser371Arg).

NM_001002295.2(GATA3):c.1113C>A (p.Ser371Arg)

Gene: GATA3 (GATA binding protein 3; plus strand). Cytogenetic location: 10p14.
Variant type: single nucleotide variant.
Coding change: c.1113C>A on transcript NM_001002295.2 (MANE Select); coding-DNA position 1113, C replaced by A.
Protein change: p.Ser371Arg; replaces serine 371 with arginine.
Molecular consequence: missense variant.
Genome position (GRCh38, 1-based): chr10:8,073,801, C>A. VCF-style: chr10-8073801-C-A. GRCh37 (hg19) VCF-style: chr10-8115764-C-A.
Other names: c.1110C>A, p.Ser370Arg (NM_002051.3); short protein forms S370R, S371R.
Identifiers: ClinVar variation 2113886 (VCV002113886.4), dbSNP rs2131520558, ClinGen allele CA375975537.